The following is an entry in ClinVar:

NM_000222.3(KIT):c.1441A>G (p.Ser481Gly)

Gene: KIT (KIT proto-oncogene, receptor tyrosine kinase; plus strand). Cytogenetic location: 4q12.
Variant type: single nucleotide variant.
Coding change: c.1441A>G on transcript NM_000222.3 (MANE Select); coding-DNA position 1441, A replaced by G.
Protein change: p.Ser481Gly; replaces serine 481 with glycine.
Molecular consequence: missense variant.
Genome position (GRCh38, 1-based): chr4:54,725,951, A>G. VCF-style: chr4-54725951-A-G. GRCh37 (hg19) VCF-style: chr4-55592117-A-G.
Other names: c.1441A>G, p.Ser481Gly (NM_001093772.2, NM_001385285.1, NM_001385286.1); c.1444A>G, p.Ser482Gly (NM_001385284.1, NM_001385288.1, NM_001385290.1 and 1 more transcripts); short protein forms S481G, S482G.
Identifiers: ClinVar variation 3693109 (VCV003693109.2).

ClinVar aggregate classification (germline): Uncertain significance (1 of 4 stars; one submission).

Conditions:
Gastrointestinal stromal tumor. Also called: Gastrointestinal stromal tumor, somatic; Gastrointestinal stroma tumor. Identifiers: Orphanet 44890, MedGen C0238198, MeSH D046152, MONDO:0011719, OMIM 606764, HP:0100723.

Submission:

Labcorp Genetics (formerly Invitae), Labcorp
Classification: Uncertain significance for Gastrointestinal stromal tumor. Last evaluated: 2024-12-24. Review status: criteria provided, single submitter. Criteria: Invitae Variant Classification Sherloc (09022015). Collection method: clinical testing. Allele origin: germline.
Comment: This sequence change replaces serine, which is neutral and polar, with glycine, which is neutral and non-polar, at codon 481 of the KIT protein (p.Ser481Gly). This variant is not present in population databases (gnomAD no frequency). This variant has not been reported in the literature in individuals affected with KIT-related conditions. An algorithm developed to predict the effect of missense changes on protein structure and function (PolyPhen-2) suggests that this variant is likely to be tolerated. In summary, the available evidence is currently insufficient to determine the role of this variant in disease. Therefore, it has been classified as a Variant of Uncertain Significance.